The following is an entry in ClinVar:

NM_003998.4(NFKB1):c.1240A>G (p.Thr414Ala)

Gene: NFKB1 (nuclear factor kappa B subunit 1; plus strand). Cytogenetic location: 4q24.
Variant type: single nucleotide variant.
Coding change: c.1240A>G on transcript NM_003998.4 (MANE Select); coding-DNA position 1240, A replaced by G.
Protein change: p.Thr414Ala; replaces threonine 414 with alanine.
Molecular consequence: missense variant.
Genome position (GRCh38, 1-based): chr4:102,594,921, A>G. VCF-style: chr4-102594921-A-G. GRCh37 (hg19) VCF-style: chr4-103516078-A-G.
Other names: c.1237A>G, p.Thr413Ala (NM_001165412.2, NM_001319226.2, NM_001382627.1); c.1240A>G, p.Thr414Ala (NM_001382625.1, NM_001382626.1); c.1198A>G, p.Thr400Ala (NM_001382628.1); short protein forms T400A, T413A, T414A.
Identifiers: ClinVar variation 4991909 (VCV004991909.1).

ClinVar aggregate classification (germline): Uncertain significance (1 of 4 stars; one submission).

Conditions:
NFKB1-related disorder. Also called: NFKB1-related condition.

gnomAD v4.1: 2 of 1,611,564 alleles (0.00012%); highest among the groups gnomAD compares: South Asian, 0.0011%; no homozygotes.

Submission:

PreventionGenetics, part of Exact Sciences
Classification: Uncertain significance for NFKB1-related condition. Last evaluated: 2026-08-25. Review status: criteria provided, single submitter. Criteria: ACMG Guidelines, 2015. Collection method: clinical testing. Allele origin: germline.
Comment: The NFKB1 c.1240A>G variant is predicted to result in the amino acid substitution p.Thr414Ala. To our knowledge, this variant has not been reported in the literature. This variant has been reported in 1 heterozygous individual within the ‘other’ subpopulation in gnomAD. At this time, the clinical significance of this variant is uncertain due to the absence of conclusive functional and genetic evidence.